The following is an entry in ClinVar:

ClinVar aggregate classification (germline): Benign/Likely benign. Review status: criteria provided, multiple submitters, no conflicts (2 of 4 stars). 18 submissions from 16 submitters: Benign (10); Likely benign (2). 6 of the submissions do not count toward it. Last evaluated 2026-02-03.

Conditions:
Primary open angle glaucoma (POAG). Also called: OPTN-related open angle glaucoma. Identifiers: MedGen C0339573, MONDO:0100553, OMIM 137760.
Glaucoma, normal tension, susceptibility to (NTG). Also called: GLAUCOMA, NORMAL PRESSURE, SUSCEPTIBILITY TO. Identifiers: MedGen C1847730, MONDO:0011693, OMIM 606657.
Amyotrophic lateral sclerosis type 12 (ALS12). Also called: AMYOTROPHIC LATERAL SCLEROSIS 12 WITH OR WITHOUT FRONTOTEMPORAL DEMENTIA. Identifiers: Orphanet 803, MedGen C3150692, MONDO:0013264, OMIM 613435.
Glaucoma 1, open angle, E. Identifiers: MedGen C1842026, MONDO:0007665.

Allele frequency attached by ClinVar (database versions not stated): gnomAD exomes 0.03419 and 0.04422; ExAC 0.04519; gnomAD 0.05915 and 0.05969; TOPMed 0.06176; 1000 Genomes Project 0.07867; 1000 Genomes Project 30x 0.07886.
gnomAD v4.1: 59,828 of 1,614,026 alleles (3.7%); highest among the groups gnomAD compares: African/African-American, 12%; 1,623 homozygotes.

Submissions (18):

Labcorp Genetics (formerly Invitae), Labcorp
Classification: Benign for Primary open angle glaucoma; Glaucoma 1, open angle, E; Amyotrophic lateral sclerosis type 12. Last evaluated: 2026-02-03. Review status: criteria provided, single submitter. Criteria: Invitae Variant Classification Sherloc (09022015). Collection method: clinical testing. Allele origin: germline.

ARUP Laboratories, Molecular Genetics and Genomics, ARUP Laboratories
Classification: Benign. Last evaluated: 2023-11-29. Review status: criteria provided, single submitter. Criteria: ARUP Molecular Germline Variant Investigation Process 2024. Collection method: clinical testing. Allele origin: germline.

Department of Pathology and Laboratory Medicine, Sinai Health System
Classification: Benign for Primary open angle glaucoma; Amyotrophic lateral sclerosis type 12. Last evaluated: 2023-02-05. Review status: criteria provided, single submitter. Criteria: ACMG Guidelines, 2015. Collection method: research. Allele origin: germline.

Fulgent Genetics
Classification: Benign for Primary open angle glaucoma; Glaucoma, normal tension, susceptibility to; Amyotrophic lateral sclerosis type 12. Last evaluated: 2022-02-25. Review status: criteria provided, single submitter. Criteria: ACMG Guidelines, 2015. Collection method: clinical testing. Allele origin: unknown.

Mendelics
Classification: Likely benign for Primary open angle glaucoma. Last evaluated: 2019-05-28. Review status: criteria provided, single submitter. Criteria: Mendelics Assertion Criteria 2017. Collection method: clinical testing. Allele origin: unknown.

GeneDx
Classification: Benign. Last evaluated: 2018-09-12. Review status: criteria provided, single submitter. Criteria: GeneDx Variant Classification Process June 2021. Collection method: clinical testing. Allele origin: germline. Affected: yes.
Comment: This variant is associated with the following publications: (PMID: 16358725, 17361544, 31198474, 31182772, 17293779, 28430856, 26376340, 25681989, 15226658, 11834836, 19172505, 17122126, 23357852)

Mayo Clinic Laboratories, Mayo Clinic
Classification: Benign. Last evaluated: 2017-10-10. Review status: criteria provided, single submitter. Criteria: ACMG Guidelines, 2015. Collection method: clinical testing. Allele origin: germline. Observed: 97 variant alleles.

Illumina Laboratory Services, Illumina
Classification: Benign for Primary open angle glaucoma. Last evaluated: 2017-04-27. Review status: criteria provided, single submitter. Criteria: ICSL Variant Classification Criteria 13 December 2019. Collection method: clinical testing. Allele origin: germline.
Comment: This variant was observed as part of a predisposition screen in an ostensibly healthy population. A literature search was performed for the gene, cDNA change, and amino acid change (where applicable). Publications were found based on this search. The evidence from the literature, in combination with allele frequency data from public databases where available, was sufficient to rule this variant out of causing disease. Therefore, this variant is classified as benign.

Illumina Laboratory Services, Illumina
Classification: Benign for Amyotrophic lateral sclerosis type 12. Last evaluated: 2017-04-27. Review status: criteria provided, single submitter. Criteria: ICSL Variant Classification Criteria 13 December 2019. Collection method: clinical testing. Allele origin: germline.
Comment: This variant was observed as part of a predisposition screen in an ostensibly healthy population. A literature search was performed for the gene, cDNA change, and amino acid change (where applicable). No publications were found based on this search. Allele frequency data from public databases was too high to be consistent with this variant causing disease. Therefore, this variant is classified as benign.

Eurofins Ntd Llc (ga)
Classification: Benign. Last evaluated: 2014-05-08. Review status: criteria provided, single submitter. Criteria: EGL Classification Definitions 2015. Collection method: clinical testing. Allele origin: germline. Observed: 3 variant alleles, 3 heterozygotes.

Breakthrough Genomics
Classification: Likely benign. Review status: criteria provided, single submitter. Criteria: ACMG Guidelines, 2015. Collection method: not provided. Allele origin: germline. Inheritance: Autosomal recessive inheritance. Affected: yes.

PreventionGenetics, part of Exact Sciences
Classification: Benign. Review status: criteria provided, single submitter. Criteria: ACMG Guidelines, 2015. Collection method: clinical testing. Allele origin: germline.

OMIM
Classification: risk factor for GLAUCOMA, NORMAL TENSION, SUSCEPTIBILITY TO. Last evaluated: 2002-02-08. Review status: no assertion criteria provided. Collection method: literature only. Allele origin: germline. Not counted in ClinVar's aggregate classification.

OMIM
Classification: Pathogenic for GLAUCOMA 1, OPEN ANGLE, E. Last evaluated: 2002-02-08. Review status: no assertion criteria provided. Collection method: literature only. Allele origin: germline. Not counted in ClinVar's aggregate classification.

Clinical Genetics DNA and cytogenetics Diagnostics Lab, Erasmus MC, Erasmus Medical Center
Classification: Benign. Review status: no assertion criteria provided. Collection method: clinical testing. Allele origin: germline. Affected: yes. Study: VKGL Data-share Consensus. Not counted in ClinVar's aggregate classification.

Clinical Genetics, Academic Medical Center
Classification: Likely benign. Review status: no assertion criteria provided. Collection method: clinical testing. Allele origin: germline. Affected: yes. Study: VKGL Data-share Consensus. Not counted in ClinVar's aggregate classification.

Genome Diagnostics Laboratory, Amsterdam University Medical Center
Classification: Benign. Review status: no assertion criteria provided. Collection method: clinical testing. Allele origin: germline. Affected: yes. Study: VKGL Data-share Consensus. Not counted in ClinVar's aggregate classification.

Genome Diagnostics Laboratory, University Medical Center Utrecht
Classification: Benign. Review status: no assertion criteria provided. Collection method: clinical testing. Allele origin: germline. Affected: yes. Study: VKGL Data-share Consensus. Not counted in ClinVar's aggregate classification.

Literature cited by the submitters: PubMed 15761120 (cited by Illumina Laboratory Services, Illumina); PubMed 16619239 (cited by Illumina Laboratory Services, Illumina); PubMed 11834836 (cited by Illumina Laboratory Services, Illumina and OMIM); PubMed 12208142 (cited by Illumina Laboratory Services, Illumina); PubMed 11978762 (cited by Illumina Laboratory Services, Illumina).

NM_001008212.2(OPTN):c.293T>A (p.Met98Lys)

Genes: OPTN (optineurin; plus strand), LOC108903148 (10p13 OPTN distal Alu-mediated recombination region; plus strand). Cytogenetic location: 10p13.
Variant type: single nucleotide variant.
Coding change: c.293T>A on transcript NM_001008212.2 (MANE Select); coding-DNA position 293, T replaced by A.
Protein change: p.Met98Lys; replaces methionine 98 with lysine.
Molecular consequence: missense variant.
Genome position (GRCh38, 1-based): chr10:13,110,400, T>A. VCF-style: chr10-13110400-T-A. GRCh37 (hg19) VCF-style: chr10-13152400-T-A.
Other names: c.293T>A, p.Met98Lys (NM_001008211.1, NM_001008213.1, NM_021980.4); short protein forms M98K.
Identifiers: ClinVar variation 7099 (VCV000007099.72), dbSNP rs11258194, ClinGen allele CA118632.